The following is an entry in ClinVar:

ClinVar aggregate classification (germline): Uncertain significance. Review status: criteria provided, multiple submitters, no conflicts (2 of 4 stars). 3 submissions from 3 submitters: Uncertain significance (3). Last evaluated 2026-02-03.

Conditions:
Familial cancer of breast. Also called: BREAST CANCER, FAMILIAL; Hereditary breast cancer; hereditary breast carcinoma. Identifiers: Orphanet 227535, MedGen C0346153, MONDO:0016419, OMIM 114480. Disease mechanism: loss of function.
Hereditary cancer-predisposing syndrome. Also called: Neoplastic Syndromes, Hereditary; Tumor predisposition; Hereditary Cancer Syndrome; Hereditary neoplastic syndrome. Identifiers: Orphanet 140162, MedGen C0027672, MeSH D009386, MONDO:0015356.

Allele frequency attached by ClinVar (database versions not stated): gnomAD exomes below 0.00001.
gnomAD v4.1: 2 of 1,606,916 alleles (0.00012%); highest among the groups gnomAD compares: Non-Finnish European, 0.00017%; no homozygotes.

Submissions (3):

Labcorp Genetics (formerly Invitae), Labcorp
Classification: Uncertain significance for Familial cancer of breast. Last evaluated: 2026-02-03. Review status: criteria provided, single submitter. Criteria: Invitae Variant Classification Sherloc (09022015). Collection method: clinical testing. Allele origin: germline.
Comment: This sequence change falls in intron 2 of the BARD1 gene. It does not directly change the encoded amino acid sequence of the BARD1 protein. It affects a nucleotide within the consensus splice site. This variant is present in population databases (no rsID available, gnomAD 0.0009%). This variant has not been reported in the literature in individuals affected with BARD1-related conditions. ClinVar contains an entry for this variant (Variation ID: 925513). Variants that disrupt the consensus splice site are a relatively common cause of aberrant splicing (PMID: 17576681, 9536098). Algorithms developed to predict the effect of sequence changes on RNA splicing suggest that this variant may disrupt the consensus splice site. In summary, the available evidence is currently insufficient to determine the role of this variant in disease. Therefore, it has been classified as a Variant of Uncertain Significance.

Ambry Genetics
Classification: Uncertain significance for Hereditary cancer-predisposing syndrome. Last evaluated: 2020-10-27. Review status: criteria provided, single submitter. Criteria: Ambry Variant Classification Scheme 2023. Collection method: clinical testing. Allele origin: germline.
Comment: The c.215+4A>G intronic variant results from an A to G substitution 4 nucleotides after coding exon 2 in the BARD1 gene. This nucleotide position is highly conserved in available vertebrate species. In silico splice site analysis predicts that this alteration may weaken the native splice donor site. Since supporting evidence is limited at this time, the clinical significance of this alteration remains unclear.

Color Diagnostics, LLC DBA Color Health
Classification: Uncertain significance for Hereditary cancer-predisposing syndrome. Last evaluated: 2019-07-25. Review status: criteria provided, single submitter. Criteria: ACMG Guidelines, 2015. Collection method: clinical testing. Allele origin: germline.
Comment: This variant creates an adenosine to guanosine change at the +4 position in intron 2 of the BARD1 gene. Computational splicing tools predict that this variant may have a significant impact on RNA splicing, because the variant is predicted to activate a cryptic splice donor site in close proximity to the reference splice donor site. However, RNA study has not been performed to confirm the prediction. To our knowledge, this variant has not been reported in individuals affected with hereditary cancer in the literature. This variant has been identified in 1/251112 chromosomes in the general population by the Genome Aggregation Database (gnomAD). Available evidence is insufficient to determine the role of this variant in disease conclusively. Therefore, this variant is classified as a Variant of Uncertain Significance.

Literature cited by the submitters: PubMed 17576681 (cited by Labcorp Genetics (formerly Invitae), Labcorp); PubMed 9536098 (cited by Labcorp Genetics (formerly Invitae), Labcorp).

NM_000465.4(BARD1):c.215+4A>G

Gene: BARD1 (BRCA1 associated RING domain 1; minus strand). Cytogenetic location: 2q35.
Variant type: single nucleotide variant.
Coding change: c.215+4A>G on transcript NM_000465.4 (MANE Select); 4 bases into the intron after coding-DNA position 215, A replaced by G.
Molecular consequence: intron variant.
Genome position (GRCh38, 1-based): chr2:214,797,057, T>C on the plus strand (A>G on the coding strand, the complement: BARD1 is on the minus strand). VCF-style: chr2-214797057-T-C. GRCh37 (hg19) VCF-style: chr2-215661781-T-C.
Other names: c.158+12355A>G (NM_001282548.2); c.159-4612A>G (NM_001282543.2); c.215+4A>G (NM_001282545.2, NM_001282549.2, NM_000465.2).
Identifiers: ClinVar variation 925513 (VCV000925513.10), dbSNP rs1236748799, ClinGen allele CA539521968.
Genomic context (GRCh38, chr2:214,797,057, plus strand): 5'-TTACATGATTGTTATCTAGTAAAAAATACAGTTGTACTATATACATCAAACCGTAATTAC[T>C]TACCTACAGAAGATGTGCTCACATCCTCCTAAACACACAGGCTCTCTCAGAATGTTAGTA-3'